The following is an entry in ClinVar:

NM_000535.7(PMS2):c.801T>G (p.Phe267Leu)

Gene: PMS2 (PMS1 homolog 2, mismatch repair system component; minus strand). Cytogenetic location: 7p22.1.
Variant type: single nucleotide variant.
Coding change: c.801T>G on transcript NM_000535.7 (MANE Select); coding-DNA position 801, T replaced by G.
Protein change: p.Phe267Leu; replaces phenylalanine 267 with leucine.
Molecular consequence: missense variant. On other transcripts: 5 prime UTR variant (2), non-coding transcript variant (1).
Genome position (GRCh38, 1-based): chr7:5,997,328, A>C on the plus strand (T>G on the coding strand, the complement: PMS2 is on the minus strand). VCF-style: chr7-5997328-A-C. GRCh37 (hg19) VCF-style: chr7-6036959-A-C.
Other names: c.396T>G, p.Phe132Leu (NM_001322003.2, NM_001322004.2, NM_001322005.2 and 2 more transcripts); c.801T>G, p.Phe267Leu (NM_001322006.2, NM_001322014.2); c.483T>G, p.Phe161Leu (NM_001322007.2, NM_001322008.2); c.-133T>G (NM_001322011.2, NM_001322012.2); c.228T>G, p.Phe76Leu (NM_001322013.2); c.492T>G, p.Phe164Leu (NM_001322015.2); short protein forms F267L, F164L, F132L, F76L, F161L.
Identifiers: ClinVar variation 525785 (VCV000525785.8), dbSNP rs1554301382, ClinGen allele CA366743606.

ClinVar aggregate classification (germline): Uncertain significance (1 of 4 stars; one submission).

Conditions:
Hereditary nonpolyposis colorectal neoplasms. Identifiers: MedGen C0009405, MeSH D003123.

Submission:

Labcorp Genetics (formerly Invitae), Labcorp
Classification: Uncertain significance for Hereditary nonpolyposis colorectal neoplasms. Last evaluated: 2017-10-19. Review status: criteria provided, single submitter. Criteria: Invitae Variant Classification Sherloc (09022015). Collection method: clinical testing. Allele origin: germline.
Comment: This variant has not been reported in the literature in individuals with PMS2-related disease. This variant is not present in population databases (ExAC no frequency). This sequence change replaces phenylalanine with leucine at codon 267 of the PMS2 protein (p.Phe267Leu). The phenylalanine residue is highly conserved and there is a small physicochemical difference between phenylalanine and leucine. Algorithms developed to predict the effect of missense changes on protein structure and function do not agree on the potential impact of this missense change (SIFT: "Deleterious"; PolyPhen-2: "Possibly Damaging"; Align-GVGD: "Class C0"). In summary, the available evidence is currently insufficient to determine the role of this variant in disease. Therefore, it has been classified as a Variant of Uncertain Significance.